The following is an entry in ClinVar:

NM_031844.3(HNRNPU):c.2272G>C (p.Val758Leu)

Gene: HNRNPU (heterogeneous nuclear ribonucleoprotein U; minus strand). Cytogenetic location: 1q44.
Variant type: single nucleotide variant.
Coding change: c.2272G>C on transcript NM_031844.3 (MANE Select); coding-DNA position 2272, G replaced by C.
Protein change: p.Val758Leu; replaces valine 758 with leucine.
Molecular consequence: missense variant.
Genome position (GRCh38, 1-based): chr1:244,855,504, C>G on the plus strand (G>C on the coding strand, the complement: HNRNPU is on the minus strand). VCF-style: chr1-244855504-C-G. GRCh37 (hg19) VCF-style: chr1-245018806-C-G.
Other names: c.2215G>C, p.Val739Leu (NM_004501.3); short protein forms V758L, V739L.
Identifiers: ClinVar variation 2821112 (VCV002821112.3), dbSNP rs1680653580, ClinGen allele CA345486973.

ClinVar aggregate classification (germline): Uncertain significance (1 of 4 stars; one submission).

Conditions:
Developmental and epileptic encephalopathy, 54. Also called: Epileptic encephalopathy, early infantile, 54; HNRNPU-Related Neurodevelopmental Disorder. Identifiers: MedGen C4479319, MONDO:0033363, OMIM 617391.

Submission:

Labcorp Genetics (formerly Invitae), Labcorp
Classification: Uncertain significance for Developmental and epileptic encephalopathy, 54. Last evaluated: 2022-12-22. Review status: criteria provided, single submitter. Criteria: Invitae Variant Classification Sherloc (09022015). Collection method: clinical testing. Allele origin: germline.
Comment: In summary, the available evidence is currently insufficient to determine the role of this variant in disease. Therefore, it has been classified as a Variant of Uncertain Significance. Advanced modeling of protein sequence and biophysical properties (such as structural, functional, and spatial information, amino acid conservation, physicochemical variation, residue mobility, and thermodynamic stability) performed at Invitae indicates that this missense variant is not expected to disrupt HNRNPU protein function. This variant has not been reported in the literature in individuals affected with HNRNPU-related conditions. This sequence change replaces valine, which is neutral and non-polar, with leucine, which is neutral and non-polar, at codon 758 of the HNRNPU protein (p.Val758Leu). This variant is not present in population databases (gnomAD no frequency).